The following is an entry in ClinVar:

NM_002234.4(KCNA5):c.363C>A (p.Arg121=)

Gene: KCNA5 (potassium voltage-gated channel subfamily A member 5; plus strand). Cytogenetic location: 12p13.32.
Variant type: single nucleotide variant.
Coding change: c.363C>A on transcript NM_002234.4 (MANE Select); coding-DNA position 363, C replaced by A.
Protein change: p.Arg121=; no amino-acid change (arginine 121 retained).
Molecular consequence: synonymous variant.
Genome position (GRCh38, 1-based): chr12:5,044,510, C>A. VCF-style: chr12-5044510-C-A. GRCh37 (hg19) VCF-style: chr12-5153676-C-A.
Identifiers: ClinVar variation 3685959 (VCV003685959.2).
Genomic context (GRCh38, chr12:5,044,510, plus strand): 5'-TCCCGGCCTGGGCACGGTGGAGGACCAGGCTCTGGGCACGGCGTCCCTGCACCACCAGCG[C>A]GTCCACATCAACATCTCCGGGCTGCGCTTTGAGACGCAGCTGGGCACCCTGGCGCAGTTC-3'
Protein context (NP_002225.2, residues 111-131): ALGTASLHHQ[Arg121=]VHINISGLRF

ClinVar aggregate classification (germline): Uncertain significance (1 of 4 stars; one submission).

Conditions:
Atrial fibrillation, familial, 7 (ATFB7). Identifiers: MedGen C2677106, MONDO:0012828, OMIM 612240.

Submission:

Labcorp Genetics (formerly Invitae), Labcorp
Classification: Uncertain significance for Atrial fibrillation, familial, 7. Last evaluated: 2024-09-24. Review status: criteria provided, single submitter. Criteria: Invitae Variant Classification Sherloc (09022015). Collection method: clinical testing. Allele origin: germline.
Comment: This sequence change affects codon 121 of the KCNA5 mRNA. It is a 'silent' change, meaning that it does not change the encoded amino acid sequence of the KCNA5 protein. This variant is present in population databases (rs373266999, gnomAD 0.007%). This variant has not been reported in the literature in individuals affected with KCNA5-related conditions. In summary, the available evidence is currently insufficient to determine the role of this variant in disease. Therefore, it has been classified as a Variant of Uncertain Significance.